The following is an entry in ClinVar:

NM_000256.3(MYBPC3):c.3492C>T (p.Gly1164=)

Gene: MYBPC3 (myosin binding protein C3; minus strand). Cytogenetic location: 11p11.2.
Variant type: single nucleotide variant.
Coding change: c.3492C>T on transcript NM_000256.3 (MANE Select); coding-DNA position 3492, C replaced by T.
Protein change: p.Gly1164=; no amino-acid change (glycine 1164 retained).
Molecular consequence: synonymous variant.
Genome position (GRCh38, 1-based): chr11:47,332,701, G>A on the plus strand (C>T on the coding strand, the complement: MYBPC3 is on the minus strand). VCF-style: chr11-47332701-G-A. GRCh37 (hg19) VCF-style: chr11-47354252-G-A.
Other names: c.3492C>T, p.Gly1164= (LRG_386t1).
Identifiers: ClinVar variation 520380 (VCV000520380.18), dbSNP rs779273875, ClinGen allele CA079418.

ClinVar aggregate classification (germline): Likely benign. Review status: criteria provided, multiple submitters, no conflicts (2 of 4 stars). 4 submissions from 4 submitters: Likely benign (4). Last evaluated 2025-11-12.

Conditions:
Cardiovascular phenotype. Identifiers: MedGen CN230736.
Cardiomyopathy (CMYO). Also called: Cardiomyopathies. Identifiers: Orphanet 167848, MedGen C0878544, MONDO:0004994, HP:0001638. Inheritance: Various modes of inheritance.
Hypertrophic cardiomyopathy. Also called: HYPERTROPHIC MYOCARDIOPATHY. Identifiers: Orphanet 217569, MedGen C0007194, MeSH D002312, MONDO:0005045, HP:0001639.

Allele frequency attached by ClinVar (database versions not stated): ExAC 0.00001; gnomAD exomes below 0.00001.
gnomAD v4.1: 6 of 1,607,052 alleles (0.00037%); highest among the groups gnomAD compares: Non-Finnish European, 0.000085%; no homozygotes.

Submissions (4):

Labcorp Genetics (formerly Invitae), Labcorp
Classification: Likely benign for Hypertrophic cardiomyopathy. Last evaluated: 2025-11-12. Review status: criteria provided, single submitter. Criteria: Invitae Variant Classification Sherloc (09022015). Collection method: clinical testing. Allele origin: germline.

CeGaT Center for Human Genetics Tuebingen
Classification: Likely benign. Last evaluated: 2025-07-01. Review status: criteria provided, single submitter. Criteria: CeGaT Center For Human Genetics Tuebingen Variant Classification Criteria Version 2. Collection method: clinical testing. Allele origin: germline. Affected: yes. Observed: 1 variant allele.
Comment: MYBPC3: BP4, BP7

Color Diagnostics, LLC DBA Color Health
Classification: Likely benign for Cardiomyopathy. Last evaluated: 2019-08-14. Review status: criteria provided, single submitter. Criteria: ACMG Guidelines, 2015. Collection method: clinical testing. Allele origin: germline.

Ambry Genetics
Classification: Likely benign for Cardiovascular phenotype. Last evaluated: 2017-10-20. Review status: criteria provided, single submitter. Criteria: Ambry Variant Classification Scheme 2023. Collection method: clinical testing. Allele origin: germline.

Literature cited by the submitters: PubMed 28679633 (cited by Ambry Genetics).